The following is an entry in ClinVar:

ClinVar aggregate classification (germline): Benign/Likely benign. Review status: criteria provided, multiple submitters, no conflicts (2 of 4 stars). 16 submissions from 13 submitters: Benign (9); Likely benign (5). 2 of the submissions do not count toward it. Last evaluated 2026-09-01.

Conditions:
TTN-related disorder. Also called: TTN-related disorders; TTN-related condition; TTN-related disease.
Cardiovascular phenotype. Identifiers: MedGen CN230736.
Autosomal recessive limb-girdle muscular dystrophy type 2J (LGMDR10). Also called: MUSCULAR DYSTROPHY, LIMB-GIRDLE, AUTOSOMAL RECESSIVE 10; Limb-girdle muscular dystrophy, type 2J. Identifiers: Orphanet 140922, MedGen C1837342, MONDO:0012127, OMIM 608807.
Dilated cardiomyopathy 1G (CMD1G). Identifiers: Orphanet 154, MedGen C1858763, MONDO:0011400, OMIM 604145.
Cardiomyopathy (CMYO). Also called: Cardiomyopathies. Identifiers: Orphanet 167848, MedGen C0878544, MONDO:0004994, HP:0001638. Inheritance: Various modes of inheritance.
Early-onset myopathy with fatal cardiomyopathy (CMYO5). Also called: CONGENITAL MYOPATHY 5 WITH CARDIOMYOPATHY; Salih Myopathy. Identifiers: Orphanet 289377, MedGen C2673677, MONDO:0012714, OMIM 611705. Disease mechanism: loss of function.
Myopathy, myofibrillar, 9, with early respiratory failure (MFM9). Also called: Myopathy, distal, with early respiratory failure, autosomal dominant; Hereditary myopathy with early respiratory failure; EDSTROM MYOPATHY; MYOPATHY, PROXIMAL, WITH EARLY RESPIRATORY MUSCLE INVOLVEMENT. Identifiers: Orphanet 178464, Orphanet 34521, MedGen C1863599, MONDO:0011362, OMIM 603689.
Tibial muscular dystrophy (TMD). Also called: Tibial muscular dystrophy, tardive; Udd Distal Myopathy – Tibial Muscular Dystrophy; UDD MYOPATHY. Identifiers: Orphanet 609, MedGen C1838244, MONDO:0010870, OMIM 600334.

Allele frequency attached by ClinVar (database versions not stated): gnomAD exomes 0.00024; ESP Exome Variant Server 0.00083; 1000 Genomes Project 30x 0.00109; gnomAD 0.00088 and 0.00083; TOPMed 0.00110; ExAC 0.00029; 1000 Genomes Project 0.00120.
gnomAD v4.1: 271 of 1,613,152 alleles (0.017%); highest among the groups gnomAD compares: African/African-American, 0.31%; 2 homozygotes.

Submissions (16):

CeGaT Center for Human Genetics Tuebingen
Classification: Likely benign. Last evaluated: 2026-09-01. Review status: criteria provided, single submitter. Criteria: CeGaT Center For Human Genetics Tuebingen Variant Classification Criteria Version 2. Collection method: clinical testing. Allele origin: germline. Affected: yes. Observed: 3 variant alleles.
Comment: TTN: BP4, BP7

Labcorp Genetics (formerly Invitae), Labcorp
Classification: Benign for Dilated cardiomyopathy 1G; Autosomal recessive limb-girdle muscular dystrophy type 2J. Last evaluated: 2026-01-28. Review status: criteria provided, single submitter. Criteria: Invitae Variant Classification Sherloc (09022015). Collection method: clinical testing. Allele origin: germline.

Molecular Diagnostic Laboratory for Inherited Cardiovascular Disease, Montreal Heart Institute
Classification: Benign. Last evaluated: 2025-04-09. Review status: criteria provided, single submitter. Criteria: ACMG Guidelines, 2015. Collection method: clinical testing. Allele origin: germline. Affected: no.

PreventionGenetics, part of Exact Sciences
Classification: Likely benign for TTN-related condition. Last evaluated: 2025-03-29. Review status: criteria provided, single submitter. Criteria: ACMG Guidelines, 2015. Collection method: clinical testing. Allele origin: germline.
Comment: This variant is classified as likely benign based on ACMG/AMP sequence variant interpretation guidelines (Richards et al. 2015 PMID: 25741868, with internal and published modifications).

Blueprint Genetics
Classification: Likely benign. Last evaluated: 2024-08-28. Review status: criteria provided, single submitter. Criteria: ACMG Guidelines, 2015. Collection method: clinical testing. Allele origin: germline.

CHEO Genetics Diagnostic Laboratory, Children's Hospital of Eastern Ontario
Classification: Benign for Cardiomyopathy. Last evaluated: 2023-01-25. Review status: criteria provided, single submitter. Criteria: ACMG Guidelines, 2015. Collection method: clinical testing. Allele origin: germline.

Genome-Nilou Lab
Classification: Benign for Autosomal recessive limb-girdle muscular dystrophy type 2J. Last evaluated: 2021-09-10. Review status: criteria provided, single submitter. Criteria: ACMG Guidelines, 2015. Collection method: clinical testing. Allele origin: germline. Affected: no.

Genome-Nilou Lab
Classification: Benign for Myopathy, myofibrillar, 9, with early respiratory failure. Last evaluated: 2021-09-10. Review status: criteria provided, single submitter. Criteria: ACMG Guidelines, 2015. Collection method: clinical testing. Allele origin: germline. Affected: no.

Genome-Nilou Lab
Classification: Benign for Early-onset myopathy with fatal cardiomyopathy. Last evaluated: 2021-09-10. Review status: criteria provided, single submitter. Criteria: ACMG Guidelines, 2015. Collection method: clinical testing. Allele origin: germline. Affected: no.

Genome-Nilou Lab
Classification: Benign for Tibial muscular dystrophy. Last evaluated: 2021-09-10. Review status: criteria provided, single submitter. Criteria: ACMG Guidelines, 2015. Collection method: clinical testing. Allele origin: germline. Affected: no.

ARUP Laboratories, Molecular Genetics and Genomics, ARUP Laboratories
Classification: Likely benign. Last evaluated: 2020-03-18. Review status: criteria provided, single submitter. Criteria: ARUP Molecular Germline Variant Investigation Process. Collection method: clinical testing. Allele origin: germline.

Ambry Genetics
Classification: Likely benign for Cardiovascular phenotype. Last evaluated: 2017-04-04. Review status: criteria provided, single submitter. Criteria: Ambry Variant Classification Scheme 2023. Collection method: clinical testing. Allele origin: germline.

Laboratory for Molecular Medicine, Mass General Brigham Personalized Medicine
Classification: Benign. Last evaluated: 2016-04-07. Review status: criteria provided, single submitter. Criteria: LMM Criteria. Collection method: clinical testing. Allele origin: germline. Observed: 2 variant alleles.
Comment: p.Asp11102Asp in exon 174 of TTN: This variant is not expected to have clinical significance because it does not alter an amino acid residue and is not located within the splice consensus sequence. It has been identified in 0.3% (32/9794) o f African chromosomes by the Exome Aggregation Consortium (ExAC; dbSNP rs193191368).

GeneDx
Classification: Benign. Last evaluated: 2015-06-23. Review status: criteria provided, single submitter. Criteria: GeneDx Variant Classification (06012015). Collection method: clinical testing. Allele origin: germline. Affected: yes.
Comment: This variant is considered likely benign or benign based on one or more of the following criteria: it is a conservative change, it occurs at a poorly conserved position in the protein, it is predicted to be benign by multiple in silico algorithms, and/or has population frequency not consistent with disease.

Clinical Genetics DNA and cytogenetics Diagnostics Lab, Erasmus MC, Erasmus Medical Center
Classification: Likely benign. Review status: no assertion criteria provided. Collection method: clinical testing. Allele origin: germline. Affected: yes. Study: VKGL Data-share Consensus. Not counted in ClinVar's aggregate classification.

Joint Genome Diagnostic Labs from Nijmegen and Maastricht, Radboudumc and MUMC+
Classification: Likely benign. Review status: no assertion criteria provided. Collection method: clinical testing. Allele origin: germline. Affected: yes. Study: VKGL Data-share Consensus. Not counted in ClinVar's aggregate classification.

NM_001267550.2(TTN):c.41010T>C (p.Asp13670=)

Gene: TTN (titin; minus strand). Cytogenetic location: 2q31.2.
Variant type: single nucleotide variant.
Coding change: c.41010T>C on transcript NM_001267550.2 (MANE Select); coding-DNA position 41010, T replaced by C.
Protein change: p.Asp13670=; no amino-acid change (aspartic acid 13670 retained).
Molecular consequence: synonymous variant.
Genome position (GRCh38, 1-based): chr2:178,636,717, A>G on the plus strand (T>C on the coding strand, the complement: TTN is on the minus strand). VCF-style: chr2-178636717-A-G. GRCh37 (hg19) VCF-style: chr2-179501444-A-G.
Other names: c.36087T>C, p.Asp12029= (NM_001256850.1); c.13815T>C, p.Asp4605= (NM_003319.4); c.33306T>C, p.Asp11102= (NM_133378.4); c.14190T>C, p.Asp4730= (NM_133432.3); c.14391T>C, p.Asp4797= (NM_133437.4).
Identifiers: ClinVar variation 46942 (VCV000046942.49), dbSNP rs193191368, ClinGen allele CA139589.